The following is an entry in ClinVar:

ClinVar aggregate classification (germline): Likely benign (1 of 4 stars; one submission).

Conditions:
RFX6-related disorder. Also called: RFX6-related condition.

gnomAD v4.1: 2 of 1,541,462 alleles (0.00013%); highest among the groups gnomAD compares: African/African-American, 0.0014%; no homozygotes.

Submission:

PreventionGenetics, part of Exact Sciences
Classification: Likely benign for RFX6-related condition. Last evaluated: 2026-03-27. Review status: criteria provided, single submitter. Criteria: ACMG Guidelines, 2015. Collection method: clinical testing. Allele origin: germline.
Comment: This variant is classified as likely benign based on ACMG/AMP sequence variant interpretation guidelines (Richards et al. 2015 PMID: 25741868, with internal and published modifications).

NM_173560.4(RFX6):c.567-8T>C

Gene: RFX6 (regulatory factor X6; plus strand). Cytogenetic location: 6q22.1.
Variant type: single nucleotide variant.
Coding change: c.567-8T>C on transcript NM_173560.4 (MANE Select); 8 bases into the intron before coding-DNA position 567, T replaced by C.
Molecular consequence: intron variant.
Genome position (GRCh38, 1-based): chr6:116,893,979, T>C. VCF-style: chr6-116893979-T-C. GRCh37 (hg19) VCF-style: chr6-117215142-T-C.
Identifiers: ClinVar variation 4993044 (VCV004993044.1).